The following is an entry in ClinVar:

ClinVar aggregate classification (germline): Benign/Likely benign. Review status: criteria provided, multiple submitters, no conflicts (2 of 4 stars). 2 submissions from 2 submitters: Benign (1); Likely benign (1). Last evaluated 2026-05-06.

Conditions:
Colorectal cancer, hereditary nonpolyposis, type 7. Identifiers: Orphanet 144, MedGen C1858380, MONDO:0013725, OMIM 614385.

Allele frequency attached by ClinVar (database versions not stated): TOPMed below 0.00001; gnomAD 0.00001.
gnomAD v4.1: 3 of 1,593,646 alleles (0.00019%); highest among the groups gnomAD compares: Non-Finnish European, 0.00026%; no homozygotes.

Submissions (2):

Myriad Genetics, Inc.
Classification: Benign for Colorectal cancer, hereditary nonpolyposis, type 7. Last evaluated: 2026-05-06. Review status: criteria provided, single submitter. Criteria: Myriad Autosomal Dominant, Autosomal Recessive and X-Linked Classification Criteria (2023). Collection method: clinical testing. Allele origin: unknown.
Comment: This variant is considered benign. This variant is a silent/synonymous amino acid change and it is not expected to impact splicing.

Ambry Genetics
Classification: Likely benign. Last evaluated: 2022-04-04. Review status: criteria provided, single submitter. Criteria: Ambry Variant Classification Scheme 2023. Collection method: clinical testing. Allele origin: germline.

NM_001040108.2(MLH3):c.3489C>G (p.Gly1163=)

Gene: MLH3 (mutL homolog 3; minus strand). Cytogenetic location: 14q24.3.
Variant type: single nucleotide variant.
Coding change: c.3489C>G on transcript NM_001040108.2 (MANE Select); coding-DNA position 3489, C replaced by G.
Protein change: p.Gly1163=; no amino-acid change (glycine 1163 retained).
Molecular consequence: synonymous variant.
Genome position (GRCh38, 1-based): chr14:75,039,992, G>C on the plus strand (C>G on the coding strand, the complement: MLH3 is on the minus strand). VCF-style: chr14-75039992-G-C. GRCh37 (hg19) VCF-style: chr14-75506695-G-C.
Other names: c.3489C>G, p.Gly1163= (NM_014381.3).
Identifiers: ClinVar variation 1731898 (VCV001731898.3), dbSNP rs1007399877, ClinGen allele CA263645136.